The following is an entry in ClinVar:

NM_020822.3(KCNT1):c.886G>A (p.Gly296Ser)

Gene: KCNT1 (potassium sodium-activated channel subfamily T member 1; plus strand). Cytogenetic location: 9q34.3.
Variant type: single nucleotide variant.
Coding change: c.886G>A on transcript NM_020822.3 (MANE Select); coding-DNA position 886, G replaced by A.
Protein change: p.Gly296Ser; replaces glycine 296 with serine.
Molecular consequence: missense variant.
Genome position (GRCh38, 1-based): chr9:135,759,710, G>A. VCF-style: chr9-135759710-G-A. GRCh37 (hg19) VCF-style: chr9-138651556-G-A.
Other names: c.751G>A, p.Gly251Ser (NM_001272003.2); short protein forms G296S, G251S.
Identifiers: ClinVar variation 1043814 (VCV001043814.7), dbSNP rs1831777941, ClinGen allele CA375498417.

ClinVar aggregate classification (germline): Uncertain significance (1 of 4 stars; one submission).

Conditions:
Autosomal dominant nocturnal frontal lobe epilepsy 5. Also called: KCNT1-Related Epilepsy; CILIARY DYSKINESIA, PRIMARY, 28, WITHOUT SITUS INVERSUS; CILIARY DYSKINESIA, PRIMARY, 28, WITH SITUS INVERSUS; Epilepsy, nocturnal frontal lobe, 5. Identifiers: Orphanet 98784, MedGen C3554306, MONDO:0014002, OMIM 615005.
Developmental and epileptic encephalopathy, 14 (DEE14). Also called: Early infantile epileptic encephalopathy 14. Identifiers: Orphanet 293181, MedGen C3554195, MONDO:0013989, OMIM 614959.

Submission:

Labcorp Genetics (formerly Invitae), Labcorp
Classification: Uncertain significance for Autosomal dominant nocturnal frontal lobe epilepsy 5; Developmental and epileptic encephalopathy, 14. Last evaluated: 2024-04-16. Review status: criteria provided, single submitter. Criteria: Invitae Variant Classification Sherloc (09022015). Collection method: clinical testing. Allele origin: germline.
Comment: This sequence change replaces glycine, which is neutral and non-polar, with serine, which is neutral and polar, at codon 296 of the KCNT1 protein (p.Gly296Ser). This variant is not present in population databases (gnomAD no frequency). This variant has not been reported in the literature in individuals affected with KCNT1-related conditions. ClinVar contains an entry for this variant (Variation ID: 1043814). Advanced modeling of protein sequence and biophysical properties (such as structural, functional, and spatial information, amino acid conservation, physicochemical variation, residue mobility, and thermodynamic stability) performed at Invitae indicates that this missense variant is not expected to disrupt KCNT1 protein function with a negative predictive value of 80%. In summary, the available evidence is currently insufficient to determine the role of this variant in disease. Therefore, it has been classified as a Variant of Uncertain Significance.